The following is an entry in ClinVar:

NM_021813.4(BACH2):c.31A>C (p.Met11Leu)

Gene: BACH2 (BACH transcriptional regulator 2; minus strand). Cytogenetic location: 6q15.
Variant type: single nucleotide variant.
Coding change: c.31A>C on transcript NM_021813.4 (MANE Select); coding-DNA position 31, A replaced by C.
Protein change: p.Met11Leu; replaces methionine 11 with leucine.
Molecular consequence: missense variant.
Genome position (GRCh38, 1-based): chr6:90,008,814, T>G on the plus strand (A>C on the coding strand, the complement: BACH2 is on the minus strand). VCF-style: chr6-90008814-T-G. GRCh37 (hg19) VCF-style: chr6-90718533-T-G.
Other names: c.31A>C, p.Met11Leu (NM_001170794.2); short protein forms M11L.
Identifiers: ClinVar variation 1359035 (VCV001359035.8), dbSNP rs1432967879, ClinGen allele CA365069662.

ClinVar aggregate classification (germline): Uncertain significance (1 of 4 stars; one submission).

Submission:

Labcorp Genetics (formerly Invitae), Labcorp
Classification: Uncertain significance. Last evaluated: 2021-06-05. Review status: criteria provided, single submitter. Criteria: Invitae Variant Classification Sherloc (09022015). Collection method: clinical testing. Allele origin: germline.
Comment: This variant is not present in population databases (ExAC no frequency). This sequence change replaces methionine with leucine at codon 11 of the BACH2 protein (p.Met11Leu). The methionine residue is highly conserved and there is a small physicochemical difference between methionine and leucine. This variant has not been reported in the literature in individuals with BACH2-related conditions. Algorithms developed to predict the effect of missense changes on protein structure and function are either unavailable or do not agree on the potential impact of this missense change (SIFT: "Deleterious"; PolyPhen-2: "Benign"; Align-GVGD: "Class C0"). In summary, the available evidence is currently insufficient to determine the role of this variant in disease. Therefore, it has been classified as a Variant of Uncertain Significance.